The following is an entry in ClinVar:

ClinVar aggregate classification (germline): Uncertain significance (1 of 4 stars; one submission).

Conditions:
Autosomal dominant nocturnal frontal lobe epilepsy 5. Also called: Epilepsy, nocturnal frontal lobe, 5; CILIARY DYSKINESIA, PRIMARY, 28, WITHOUT SITUS INVERSUS; CILIARY DYSKINESIA, PRIMARY, 28, WITH SITUS INVERSUS; KCNT1-Related Epilepsy. Identifiers: Orphanet 98784, MedGen C3554306, MONDO:0014002, OMIM 615005.
Developmental and epileptic encephalopathy, 14 (DEE14). Also called: Early infantile epileptic encephalopathy 14. Identifiers: Orphanet 293181, MedGen C3554195, MONDO:0013989, OMIM 614959.

Submission:

Labcorp Genetics (formerly Invitae), Labcorp
Classification: Uncertain significance for Autosomal dominant nocturnal frontal lobe epilepsy 5; Developmental and epileptic encephalopathy, 14. Last evaluated: 2023-04-15. Review status: criteria provided, single submitter. Criteria: Invitae Variant Classification Sherloc (09022015). Collection method: clinical testing. Allele origin: germline.
Comment: In summary, the available evidence is currently insufficient to determine the role of this variant in disease. Therefore, it has been classified as a Variant of Uncertain Significance. An algorithm developed to predict the effect of missense changes on protein structure and function (PolyPhen-2) suggests that this variant is likely to be tolerated. This variant has not been reported in the literature in individuals affected with KCNT1-related conditions. This variant is not present in population databases (gnomAD no frequency). This sequence change replaces alanine, which is neutral and non-polar, with threonine, which is neutral and polar, at codon 467 of the KCNT1 protein (p.Ala467Thr).

NM_020822.3(KCNT1):c.1399G>A (p.Ala467Thr)

Gene: KCNT1 (potassium sodium-activated channel subfamily T member 1; plus strand). Cytogenetic location: 9q34.3.
Variant type: single nucleotide variant.
Coding change: c.1399G>A on transcript NM_020822.3 (MANE Select); coding-DNA position 1399, G replaced by A.
Protein change: p.Ala467Thr; replaces alanine 467 with threonine.
Molecular consequence: missense variant.
Genome position (GRCh38, 1-based): chr9:135,768,671, G>A. VCF-style: chr9-135768671-G-A. GRCh37 (hg19) VCF-style: chr9-138660517-G-A.
Other names: c.1264G>A, p.Ala422Thr (NM_001272003.2); short protein forms A467T, A422T.
Identifiers: ClinVar variation 2946753 (VCV002946753.3), dbSNP rs2490942445, ClinGen allele CA375504906.
Genomic context (GRCh38, chr9:135,768,671, plus strand): 5'-ATGGACAATGGGGAGGCCTGCTTCATCCTCAGCAGCAGGAACGAGGTGGACCGCACGGCT[G>A]CAGTGAGTGAGGCTGAGGCCCTGCCCAGGCGGGAGGGGCACCGTGGGGCCGGGGAGCGGG-3'
Protein context (NP_065873.2, residues 457-477): SSRNEVDRTA[Ala467Thr]DHQTILRAWA